The following is an entry in ClinVar:

NM_003108.4(SOX11):c.886G>T (p.Glu296Ter)

Gene: SOX11 (SRY-box transcription factor 11; plus strand). Cytogenetic location: 2p25.2.
Variant type: single nucleotide variant.
Coding change: c.886G>T on transcript NM_003108.4 (MANE Select); coding-DNA position 886, G replaced by T.
Protein change: p.Glu296Ter; replaces glutamic acid 296 with a stop codon.
Molecular consequence: nonsense.
Genome position (GRCh38, 1-based): chr2:5,693,607, G>T. VCF-style: chr2-5693607-G-T. GRCh37 (hg19) VCF-style: chr2-5833739-G-T.
Other names: short protein forms E296*.
Identifiers: ClinVar variation 1320206 (VCV001320206.1), dbSNP rs1441654871, ClinGen allele CA345867664.

ClinVar aggregate classification (germline): Likely pathogenic (1 of 4 stars; one submission).

Conditions:
Intellectual developmental disorder with microcephaly and with or without ocular malformations or hypogonadotropic hypogonadism. Also called: Intellectual disability, autosomal dominant 27; Coffin-Siris Syndrome 9. Identifiers: Orphanet 1465, MedGen C4014528, MONDO:0014376, OMIM 615866.

Submission:

3billion
Classification: Likely pathogenic for Intellectual developmental disorder with microcephaly and with or without ocular malformations or hypogonadotropic hypogonadism. Last evaluated: 2021-10-02. Review status: criteria provided, single submitter. Criteria: ACMG Guidelines, 2015. Collection method: clinical testing. Allele origin: unknown. Affected: yes. Observed: 1 heterozygote.
Comment: Stop-gained (nonsense): predicted to result in a loss or disruption of normal protein function through nonsense-mediated decay (NMD) or protein truncation. Multiple pathogenic variants are reported downstream of the variant (PVS1_VS). The variant is not observed in the gnomAD v2.1.1 dataset (PM2). Therefore, this variant is classified as likely pathogenic according to the recommendation of ACMG/AMP guideline.